The following is an entry in ClinVar:

ClinVar aggregate classification (germline): Uncertain significance (1 of 4 stars; one submission).

Allele frequency attached by ClinVar (database versions not stated): TOPMed below 0.00001.

Submission:

Labcorp Genetics (formerly Invitae), Labcorp
Classification: Uncertain significance. Last evaluated: 2023-06-15. Review status: criteria provided, single submitter. Criteria: Invitae Variant Classification Sherloc (09022015). Collection method: clinical testing. Allele origin: germline.
Comment: In summary, the available evidence is currently insufficient to determine the role of this variant in disease. Therefore, it has been classified as a Variant of Uncertain Significance. An algorithm developed to predict the effect of missense changes on protein structure and function (PolyPhen-2) suggests that this variant is likely to be tolerated. This variant has not been reported in the literature in individuals affected with PPP2R1A-related conditions. This variant is not present in population databases (gnomAD no frequency). This sequence change replaces serine, which is neutral and polar, with asparagine, which is neutral and polar, at codon 464 of the PPP2R1A protein (p.Ser464Asn).

NM_014225.6(PPP2R1A):c.1391G>A (p.Ser464Asn)

Gene: PPP2R1A (protein phosphatase 2 scaffold subunit Aalpha; plus strand). Cytogenetic location: 19q13.41.
Variant type: single nucleotide variant.
Coding change: c.1391G>A on transcript NM_014225.6 (MANE Select); coding-DNA position 1391, G replaced by A.
Protein change: p.Ser464Asn; replaces serine 464 with asparagine.
Molecular consequence: missense variant. On other transcripts: non-coding transcript variant (1).
Genome position (GRCh38, 1-based): chr19:52,221,006, G>A. VCF-style: chr19-52221006-G-A. GRCh37 (hg19) VCF-style: chr19-52724259-G-A.
Other names: c.854G>A, p.Ser285Asn (NM_001363656.2); short protein forms S464N, S285N.
Identifiers: ClinVar variation 2846322 (VCV002846322.3), dbSNP rs1978890179, ClinGen allele CA407190054.